The following is an entry in ClinVar:

ClinVar aggregate classification (germline): Uncertain significance (1 of 4 stars; one submission).

Allele frequency attached by ClinVar (database versions not stated): gnomAD exomes below 0.00001.
gnomAD v4.1: 1 of 1,581,250 alleles (0.000063%); no homozygotes.

Submission:

GeneDx
Classification: Uncertain significance. Last evaluated: 2023-03-28. Review status: criteria provided, single submitter. Criteria: GeneDx Variant Classification Process June 2021. Collection method: clinical testing. Allele origin: germline. Affected: yes.
Comment: Not observed at significant frequency in large population cohorts (gnomAD); In silico analysis supports that this missense variant does not alter protein structure/function; Has not been previously published as pathogenic or benign to our knowledge

NM_005215.4(DCC):c.2676T>G (p.Ser892Arg)

Gene: DCC (DCC netrin 1 receptor; plus strand). Cytogenetic location: 18q21.2.
Variant type: single nucleotide variant.
Coding change: c.2676T>G on transcript NM_005215.4 (MANE Select); coding-DNA position 2676, T replaced by G.
Protein change: p.Ser892Arg; replaces serine 892 with arginine.
Molecular consequence: missense variant.
Genome position (GRCh38, 1-based): chr18:53,391,875, T>G. VCF-style: chr18-53391875-T-G. GRCh37 (hg19) VCF-style: chr18-50918245-T-G.
Other names: short protein forms S892R.
Identifiers: ClinVar variation 2581941 (VCV002581941.1), dbSNP rs2511369463, ClinGen allele CA402472238.